The following is an entry in ClinVar:

NM_015981.4(CAMK2A):c.940T>C (p.Ser314Pro)

Gene: CAMK2A (calcium/calmodulin dependent protein kinase II alpha; minus strand). Cytogenetic location: 5q32.
Variant type: single nucleotide variant.
Coding change: c.940T>C on transcript NM_015981.4 (MANE Select); coding-DNA position 940, T replaced by C.
Protein change: p.Ser314Pro; replaces serine 314 with proline.
Molecular consequence: missense variant.
Genome position (GRCh38, 1-based): chr5:150,247,775, A>G on the plus strand (T>C on the coding strand, the complement: CAMK2A is on the minus strand). VCF-style: chr5-150247775-A-G. GRCh37 (hg19) VCF-style: chr5-149627338-A-G.
Other names: c.940T>C, p.Ser314Pro (NM_001363989.1, NM_001363990.1, NM_001369025.2 and 1 more transcripts); short protein forms S314P.
Identifiers: ClinVar variation 2443550 (VCV002443550.3), dbSNP rs2532303477, ClinGen allele CA361748160.

ClinVar aggregate classification (germline): Uncertain significance. Review status: criteria provided, single submitter (1 of 4 stars). 2 submissions from 2 submitters: Uncertain significance (1). 1 of the submissions does not count toward it. Last evaluated 2024-08-22.

Conditions:
CAMK2A-related disorder. Also called: CAMK2A-related condition.

Allele frequency attached by ClinVar (database versions not stated): gnomAD exomes below 0.00001.

Submissions (2):

GeneDx
Classification: Uncertain significance. Last evaluated: 2024-08-22. Review status: criteria provided, single submitter. Criteria: GeneDx Variant Classification Process June 2021. Collection method: clinical testing. Allele origin: germline. Affected: yes.
Comment: Not observed at significant frequency in large population cohorts (gnomAD); In silico analysis supports that this missense variant has a deleterious effect on protein structure/function; Has not been previously published as pathogenic or benign to our knowledge

PreventionGenetics, part of Exact Sciences
Classification: Uncertain significance for CAMK2A-related condition. Last evaluated: 2023-12-12. Review status: no assertion criteria provided. Collection method: clinical testing. Allele origin: germline. Not counted in ClinVar's aggregate classification.
Comment: The CAMK2A c.940T>C variant is predicted to result in the amino acid substitution p.Ser314Pro. To our knowledge, this variant has not been reported in the literature or in a large population database, indicating this variant is rare. At this time, the clinical significance of this variant is uncertain due to the absence of conclusive functional and genetic evidence.